The following is an entry in ClinVar:

NM_001267550.2(TTN):c.78875G>A (p.Gly26292Glu)

Genes: TTN (titin; minus strand), TTN-AS1 (TTN antisense RNA 1; plus strand). Cytogenetic location: 2q31.2.
Variant type: single nucleotide variant.
Coding change: c.78875G>A on transcript NM_001267550.2 (MANE Select); coding-DNA position 78875, G replaced by A.
Protein change: p.Gly26292Glu; replaces glycine 26292 with glutamic acid.
Molecular consequence: missense variant.
Genome position (GRCh38, 1-based): chr2:178,567,257, C>T on the plus strand (G>A on the coding strand, the complement: TTN is on the minus strand). VCF-style: chr2-178567257-C-T. GRCh37 (hg19) VCF-style: chr2-179431984-C-T.
Other names: c.73952G>A, p.Gly24651Glu (NM_001256850.1); c.51680G>A, p.Gly17227Glu (NM_003319.4); c.71171G>A, p.Gly23724Glu (NM_133378.4); c.52055G>A, p.Gly17352Glu (NM_133432.3); c.52256G>A, p.Gly17419Glu (NM_133437.4); short protein forms G23724E, G24651E, G26292E, G17227E, G17352E, G17419E.
Identifiers: ClinVar variation 3571854 (VCV003571854.1).

ClinVar aggregate classification (germline): Uncertain significance (1 of 4 stars; one submission).

gnomAD v4.1: 2 of 1,606,184 alleles (0.00012%); highest among the groups gnomAD compares: African/African-American, 0.0027%; no homozygotes.

Submission:

Athena Diagnostics
Classification: Uncertain significance. Last evaluated: 2024-09-26. Review status: criteria provided, single submitter. Criteria: Athena Diagnostics Criteria. Collection method: clinical testing. Allele origin: unknown.
Comment: Available data are insufficient to determine the clinical significance of the variant at this time. The frequency of this variant in the general population is uninformative in assessment of its pathogenicity. Polyphen and MutationTaster yielded discordant predictions regarding whether this amino acid change is damaging to the protein.